The following is an entry in ClinVar:

ClinVar aggregate classification (germline): Uncertain significance (1 of 4 stars; one submission).

Conditions:
Autosomal recessive severe congenital neutropenia due to CSF3R deficiency. Also called: Neutropenia, severe congenital, 7, autosomal recessive. Identifiers: Orphanet 420702, MedGen C4310764, MONDO:0014865, OMIM 617014.

Allele frequency attached by ClinVar (database versions not stated): gnomAD exomes below 0.00001; ExAC 0.00001.
gnomAD v4.1: 2 of 1,613,514 alleles (0.00012%); highest among the groups gnomAD compares: East Asian, 0.0022%; no homozygotes.

Submission:

Labcorp Genetics (formerly Invitae), Labcorp
Classification: Uncertain significance for Autosomal recessive severe congenital neutropenia due to CSF3R deficiency. Last evaluated: 2023-04-30. Review status: criteria provided, single submitter. Criteria: Invitae Variant Classification Sherloc (09022015). Collection method: clinical testing. Allele origin: germline.
Comment: In summary, the available evidence is currently insufficient to determine the role of this variant in disease. Therefore, it has been classified as a Variant of Uncertain Significance. Variants that disrupt the consensus splice site are a relatively common cause of aberrant splicing (PMID: 17576681, 9536098). Algorithms developed to predict the effect of sequence changes on RNA splicing suggest that this variant may create or strengthen a splice site. This variant has not been reported in the literature in individuals affected with CSF3R-related conditions. The frequency data for this variant in the population databases is considered unreliable, as metrics indicate poor data quality at this position in the gnomAD database. This sequence change falls in intron 6 of the CSF3R gene. It does not directly change the encoded amino acid sequence of the CSF3R protein. It affects a nucleotide within the consensus splice site.

Literature cited by the submitters: PubMed 17576681; PubMed 9536098.

NM_000760.4(CSF3R):c.673+4G>A

Gene: CSF3R (colony stimulating factor 3 receptor; minus strand). Cytogenetic location: 1p34.3.
Variant type: single nucleotide variant.
Coding change: c.673+4G>A on transcript NM_000760.4 (MANE Select); 4 bases into the intron after coding-DNA position 673, G replaced by A.
Molecular consequence: intron variant.
Genome position (GRCh38, 1-based): chr1:36,473,431, C>T on the plus strand (G>A on the coding strand, the complement: CSF3R is on the minus strand). VCF-style: chr1-36473431-C-T. GRCh37 (hg19) VCF-style: chr1-36939032-C-T.
Other names: c.673+4G>A (NM_156039.3, NM_172313.3).
Identifiers: ClinVar variation 2918336 (VCV002918336.3), dbSNP rs771742767, ClinGen allele CA769417.